The following is an entry in ClinVar:

NM_003922.4(HERC1):c.9869A>G (p.Gln3290Arg)

Gene: HERC1 (HECT and RLD domain containing E3 ubiquitin protein ligase family member 1; minus strand). Cytogenetic location: 15q22.31.
Variant type: single nucleotide variant.
Coding change: c.9869A>G on transcript NM_003922.4 (MANE Select); coding-DNA position 9869, A replaced by G.
Protein change: p.Gln3290Arg; replaces glutamine 3290 with arginine.
Molecular consequence: missense variant.
Genome position (GRCh38, 1-based): chr15:63,656,089, T>C on the plus strand (A>G on the coding strand, the complement: HERC1 is on the minus strand). VCF-style: chr15-63656089-T-C. GRCh37 (hg19) VCF-style: chr15-63948288-T-C.
Other names: c.9869A>G (NM_003922.3); short protein forms Q3290R.
Identifiers: ClinVar variation 996983 (VCV000996983.3), dbSNP rs200023211, ClinGen allele CA7604613.
Genomic context (GRCh38, chr15:63,656,089, plus strand): 5'-GCTCAAGAATCAGTCAGAAATAATCAATGTAACGGGGAAAAGTACTGAAAGTAGCTTACC[T>C]GTGTACACAACTGTACAAGCAGTTTGGCAGCACTAGGAGCATTTGATGCCAGACATCCCA-3'
Protein context (NP_003913.3, residues 3280-3300): AAKLLVQLCT[Gln3290Arg]NLISAATGVN

ClinVar aggregate classification (germline): Uncertain significance. Review status: criteria provided, multiple submitters, no conflicts (2 of 4 stars). 2 submissions from 2 submitters: Uncertain significance (2). Last evaluated 2020-04-24.

Conditions:
Macrocephaly, dysmorphic facies, and psychomotor retardation (MDFPMR). Identifiers: Orphanet 457359, MedGen C4310766, MONDO:0014863, OMIM 617011.

Allele frequency attached by ClinVar (database versions not stated): gnomAD 0.00003 and 0.00004; gnomAD exomes 0.00003 and 0.00006; ExAC 0.00005; TOPMed 0.00008; ESP Exome Variant Server 0.00025.
gnomAD v4.1: 55 of 1,611,498 alleles (0.0034%); highest among the groups gnomAD compares: Non-Finnish European, 0.00034%; 1 homozygote.

Submissions (2):

New York Genome Center
Classification: Uncertain significance for Macrocephaly, dysmorphic facies, and psychomotor retardation. Last evaluated: 2020-04-24. Review status: criteria provided, single submitter. Criteria: NYGC Assertion Criteria 2020. Collection method: clinical testing. Allele origin: paternal. Inheritance: Autosomal recessive inheritance. Observed: 1 compound heterozygote. Study: CSER-NYCKidSeq.
Comment: The inherited c.9869A>G (p.Gln3290Arg) variant identified in the HERC1 gene substitutes a very well conserved Glutamine for Arginine at amino acid 3290/4862 (coding exon 49/78). This variant is found with low frequency in gnomAD (5 heterozygotes, 0 homozygotes; allele frequency: 3.49e-5) suggesting it is not a common benign variant in the populations represented in this database. This variant is not within a mapped domain of HERC1 (UniProtKB:Q15751). In silico algorithms do not agree on the effect of this variant, as it is predicted both Damaging (SIFT; score: 0.05) and Neutral (Provean; score:-1.67) to the function of the canonical transcript. This variant is absent from ClinVar and to our current knowledge has not been reported in affected individuals in the literature. Given the lack of compelling evidence for its pathogenicity, the inherited c.9869A>G (p.Gln3290Arg) variant identified in the HERC1 gene is reported here as a Variant of Uncertain Significance.

GeneDx
Classification: Uncertain significance. Last evaluated: 2019-05-23. Review status: criteria provided, single submitter. Criteria: GeneDx Variant Classification Process June 2021. Collection method: clinical testing. Allele origin: germline. Affected: yes.
Comment: In silico analysis, which includes protein predictors and evolutionary conservation, supports that this variant does not alter protein structure/function; Has not been previously published as pathogenic or benign to our knowledge